The following is an entry in ClinVar:

NM_001105206.3(LAMA4):c.2342C>A (p.Ala781Asp)

Gene: LAMA4 (laminin subunit alpha 4; minus strand). Cytogenetic location: 6q21.
Variant type: single nucleotide variant.
Coding change: c.2342C>A on transcript NM_001105206.3 (MANE Select); coding-DNA position 2342, C replaced by A.
Protein change: p.Ala781Asp; replaces alanine 781 with aspartic acid.
Molecular consequence: missense variant.
Genome position (GRCh38, 1-based): chr6:112,148,168, G>T on the plus strand (C>A on the coding strand, the complement: LAMA4 is on the minus strand). VCF-style: chr6-112148168-G-T. GRCh37 (hg19) VCF-style: chr6-112469370-G-T.
Other names: p.A774D:GCT>GAT; c.2321C>A, p.Ala774Asp (NM_001105207.3, NM_002290.5); short protein forms A774D, A781D.
Identifiers: ClinVar variation 213586 (VCV000213586.10), dbSNP rs863223685, ClinGen allele CA321887.

ClinVar aggregate classification (germline): Uncertain significance. Review status: criteria provided, multiple submitters, no conflicts (2 of 4 stars). 2 submissions from 2 submitters: Uncertain significance (2). Last evaluated 2025-10-15.

Conditions:
Dilated cardiomyopathy 1JJ (CMD1JJ). Identifiers: Orphanet 154, MedGen C3808935, MONDO:0014095, OMIM 615235.

Submissions (2):

Labcorp Genetics (formerly Invitae), Labcorp
Classification: Uncertain significance for Dilated cardiomyopathy 1JJ. Last evaluated: 2025-10-15. Review status: criteria provided, single submitter. Criteria: Invitae Variant Classification Sherloc (09022015). Collection method: clinical testing. Allele origin: germline.
Comment: This sequence change replaces alanine, which is neutral and non-polar, with aspartic acid, which is acidic and polar, at codon 774 of the LAMA4 protein (p.Ala774Asp). This variant is not present in population databases (gnomAD no frequency). This variant has not been reported in the literature in individuals affected with LAMA4-related conditions. ClinVar contains an entry for this variant (Variation ID: 213586). Invitae Evidence Modeling of protein sequence and biophysical properties (such as structural, functional, and spatial information, amino acid conservation, physicochemical variation, residue mobility, and thermodynamic stability) indicates that this missense variant is expected to disrupt LAMA4 protein function with a positive predictive value of 80%. In summary, the available evidence is currently insufficient to determine the role of this variant in disease. Therefore, it has been classified as a Variant of Uncertain Significance.

GeneDx
Classification: Uncertain significance. Last evaluated: 2014-04-15. Review status: criteria provided, single submitter. Criteria: GeneDx Variant Classification (06012015). Collection method: clinical testing. Allele origin: germline. Affected: yes.
Comment: p.Ala774Asp (GCT>GAT): c.2321 C>A in exon 18 of the LAMA4 gene (NM_002290.3). A variant of unknown significance has been identified in the LAMA4 gene. The A774D variant has not been published as a mutation, nor has it been reported as a benign polymorphism to our knowledge. The A774D variant was not observed in approximately 6,500 individuals of European and African American ancestry in the NHLBI Exome Sequencing Project, indicating it is not a common benign variant in these populations. The A774D variant is a non-conservative amino acid substitution, which is likely to impact secondary protein structure as these residues differ in polarity, charge, size and/or other properties. This substitution occurs at a position that is conserved across species. In silico analysis predicts this variant is probably damaging to the protein structure/function. Therefore, based on the currently available information, it is unclear whether this variant is a pathogenic mutation or a rare benign variant. This variant was found in CARDIOMYOPATHY